The following is an entry in ClinVar:

NM_198253.3(TERT):c.1759A>G (p.Ile587Val)

Gene: TERT (telomerase reverse transcriptase; minus strand). Cytogenetic location: 5p15.33.
Variant type: single nucleotide variant.
Coding change: c.1759A>G on transcript NM_198253.3 (MANE Select); coding-DNA position 1759, A replaced by G.
Protein change: p.Ile587Val; replaces isoleucine 587 with valine.
Molecular consequence: missense variant. On other transcripts: non-coding transcript variant (2).
Genome position (GRCh38, 1-based): chr5:1,282,439, T>C on the plus strand (A>G on the coding strand, the complement: TERT is on the minus strand). VCF-style: chr5-1282439-T-C. GRCh37 (hg19) VCF-style: chr5-1282554-T-C.
Other names: c.1759A>G (NM_198253.2); c.1759A>G, p.Ile587Val (NM_001193376.3); short protein forms I587V.
Identifiers: ClinVar variation 1468459 (VCV001468459.10), dbSNP rs752068571, ClinGen allele CA3184782.
Genomic context (GRCh38, chr5:1,282,439, plus strand): 5'-TGGTGTTCCAGGACTTCGAGAAGCAGAGGCCTGGCGTGGGGATACAGTACCTGATTCCAA[T>C]GCTTTGCAACTTGCTCCAGACACTCTTCCGGTAGAAAAAGAGCCTGTTCTTTTGAAACGT-3'
Protein context (NP_937983.2, residues 577-597): RKSVWSKLQS[Ile587Val]GIRQHLKRVQ

ClinVar aggregate classification (germline): Uncertain significance. Review status: criteria provided, multiple submitters, no conflicts (2 of 4 stars). 2 submissions from 2 submitters: Uncertain significance (2). Last evaluated 2022-11-25.

Conditions:
Dyskeratosis congenita, autosomal dominant 2. Identifiers: MedGen C3151443, MONDO:0013521, OMIM 613989.
Idiopathic Pulmonary Fibrosis. Also called: Idiopathic fibrosing alveolitis, chronic form; idiopathic fibrosing alveolitis. Identifiers: Orphanet 2032, MedGen C1800706, MeSH D054990, MONDO:0800504.
Dyskeratosis congenita. Identifiers: Orphanet 1775, MedGen C0265965, MONDO:0015780.

Allele frequency attached by ClinVar (database versions not stated): gnomAD exomes below 0.00001; ExAC 0.00001.
gnomAD v4.1: 3 of 1,613,984 alleles (0.00019%); highest among the groups gnomAD compares: Non-Finnish European, 0.00025%; no homozygotes.

Submissions (2):

Ambry Genetics
Classification: Uncertain significance for Dyskeratosis congenita. Last evaluated: 2022-11-25. Review status: criteria provided, single submitter. Criteria: Ambry Variant Classification Scheme 2023. Collection method: clinical testing. Allele origin: germline.
Comment: The p.I587V variant (also known as c.1759A>G), located in coding exon 3 of the TERT gene, results from an A to G substitution at nucleotide position 1759. The isoleucine at codon 587 is replaced by valine, an amino acid with highly similar properties. This amino acid position is conserved. In addition, this alteration is predicted to be tolerated by in silico analysis. Since supporting evidence is limited at this time, the clinical significance of this alteration remains unclear.

Labcorp Genetics (formerly Invitae), Labcorp
Classification: Uncertain significance for Dyskeratosis congenita, autosomal dominant 2; Idiopathic Pulmonary Fibrosis. Last evaluated: 2021-06-22. Review status: criteria provided, single submitter. Criteria: Invitae Variant Classification Sherloc (09022015). Collection method: clinical testing. Allele origin: germline.
Comment: This sequence change replaces isoleucine with valine at codon 587 of the TERT protein (p.Ile587Val). The isoleucine residue is moderately conserved and there is a small physicochemical difference between isoleucine and valine. This variant is present in population databases (rs752068571, ExAC 0.009%). This variant has not been reported in the literature in individuals with TERT-related conditions. Advanced modeling of protein sequence and biophysical properties (such as structural, functional, and spatial information, amino acid conservation, physicochemical variation, residue mobility, and thermodynamic stability) performed at Invitae indicates that this missense variant is not expected to disrupt TERT protein function. In summary, the available evidence is currently insufficient to determine the role of this variant in disease. Therefore, it has been classified as a Variant of Uncertain Significance.